The following is an entry in ClinVar:

NM_016169.4(SUFU):c.202T>G (p.Leu68Val)

Gene: SUFU (SUFU negative regulator of hedgehog signaling; plus strand). Cytogenetic location: 10q24.32.
Variant type: single nucleotide variant.
Coding change: c.202T>G on transcript NM_016169.4 (MANE Select); coding-DNA position 202, T replaced by G.
Protein change: p.Leu68Val; replaces leucine 68 with valine.
Molecular consequence: missense variant.
Genome position (GRCh38, 1-based): chr10:102,509,188, T>G. VCF-style: chr10-102509188-T-G. GRCh37 (hg19) VCF-style: chr10-104268945-T-G.
Other names: c.202T>G, p.Leu68Val (NM_001178133.2); short protein forms L68V.
Identifiers: ClinVar variation 937556 (VCV000937556.10), dbSNP rs1589975244, ClinGen allele CA377888296.

ClinVar aggregate classification (germline): Uncertain significance (1 of 4 stars; one submission).

Conditions:
Gorlin syndrome. Also called: Nevoid Basal Cell Carcinoma Syndrome; Basal cell nevus syndrome. Identifiers: Orphanet 377, MedGen C0004779, MONDO:0007187.
Medulloblastoma (MDB). Also called: Medulloblastoma, somatic; MEDULLOBLASTOMA PREDISPOSITION SYNDROME. Identifiers: Orphanet 616, MedGen C0025149, MeSH D008527, MONDO:0007959, OMIM 155255, HP:0002885.

gnomAD v4.1: 1 of 1,614,198 alleles (0.000062%); highest among the groups gnomAD compares: Non-Finnish European, 0.000085%; no homozygotes.

Submission:

Labcorp Genetics (formerly Invitae), Labcorp
Classification: Uncertain significance for Gorlin syndrome; Medulloblastoma. Last evaluated: 2021-07-26. Review status: criteria provided, single submitter. Criteria: Invitae Variant Classification Sherloc (09022015). Collection method: clinical testing. Allele origin: germline.
Comment: In summary, the available evidence is currently insufficient to determine the role of this variant in disease. Therefore, it has been classified as a Variant of Uncertain Significance. Algorithms developed to predict the effect of missense changes on protein structure and function are either unavailable or do not agree on the potential impact of this missense change (SIFT: "Deleterious"; PolyPhen-2: "Probably Damaging"; Align-GVGD: "Class C0"). This variant has not been reported in the literature in individuals with SUFU-related conditions. This variant is not present in population databases (ExAC no frequency). This sequence change replaces leucine with valine at codon 68 of the SUFU protein (p.Leu68Val). The leucine residue is highly conserved and there is a small physicochemical difference between leucine and valine.